The following is an entry in ClinVar:

ClinVar aggregate classification (germline): Likely benign (1 of 4 stars; one submission).

gnomAD v4.1: 311 of 1,600,716 alleles (0.019%); highest among the groups gnomAD compares: Non-Finnish European, 0.019%; 2 homozygotes.

Submission:

CeGaT Center for Human Genetics Tuebingen
Classification: Likely benign. Last evaluated: 2026-02-01. Review status: criteria provided, single submitter. Criteria: CeGaT Center For Human Genetics Tuebingen Variant Classification Criteria Version 2. Collection method: clinical testing. Allele origin: germline. Affected: yes. Observed: 1 variant allele.
Comment: VWA1: BP4, BP7

NM_022834.5(VWA1):c.672G>C (p.Thr224=)

Gene: VWA1 (von Willebrand factor A domain containing 1; plus strand). Cytogenetic location: 1p36.33.
Variant type: single nucleotide variant.
Coding change: c.672G>C on transcript NM_022834.5 (MANE Select); coding-DNA position 672, G replaced by C.
Protein change: p.Thr224=; no amino-acid change (threonine 224 retained).
Molecular consequence: synonymous variant. On other transcripts: 3 prime UTR variant (1).
Genome position (GRCh38, 1-based): chr1:1,439,121, G>C. VCF-style: chr1-1439121-G-C. GRCh37 (hg19) VCF-style: chr1-1374501-G-C.
Other names: c.*82G>C (NM_199121.3).
Identifiers: ClinVar variation 4821754 (VCV004821754.4).
Genomic context (GRCh38, chr1:1,439,121, plus strand): 5'-ACCCCCTGCACCACCCACAGACGCGATGCGGCCGCAGCAGCTCCATGCCACGGAGATCAC[G>C]TCCAGCGGCTTCCGCCTGGCCTGGCCACCCCTGCTGACCGCAGACTCGGGCTACTATGTG-3'
Protein context (NP_073745.2, residues 214-234): RPQQLHATEI[Thr224=]SSGFRLAWPP